The following is an entry in ClinVar:

NM_015080.4(NRXN2):c.246G>A (p.Leu82=)

Gene: NRXN2 (neurexin 2; minus strand). Cytogenetic location: 11q13.1.
Variant type: single nucleotide variant.
Coding change: c.246G>A on transcript NM_015080.4 (MANE Select); coding-DNA position 246, G replaced by A.
Protein change: p.Leu82=; no amino-acid change (leucine 82 retained).
Molecular consequence: synonymous variant.
Genome position (GRCh38, 1-based): chr11:64,713,454, C>T on the plus strand (G>A on the coding strand, the complement: NRXN2 is on the minus strand). VCF-style: chr11-64713454-C-T. GRCh37 (hg19) VCF-style: chr11-64480926-C-T.
Other names: c.246G>A, p.Leu82= (NM_001376262.1, NM_001376263.1, NM_001376265.1 and 3 more transcripts); c.246G>A (NM_015080.3).
Identifiers: ClinVar variation 129832 (VCV000129832.13), dbSNP rs12293481, ClinGen allele CA154154.

ClinVar aggregate classification (germline): Benign. Review status: criteria provided, multiple submitters, no conflicts (2 of 4 stars). 4 submissions from 4 submitters: Benign (2). 2 of the submissions do not count toward it. Last evaluated 2019-12-31.

Conditions:
NRXN2-related disorder. Also called: NRXN2-related condition.

Allele frequency attached by ClinVar (database versions not stated): gnomAD exomes 0.00354; ExAC 0.00966; ESP Exome Variant Server 0.01487; gnomAD 0.02481 and 0.02638; TOPMed 0.02810; 1000 Genomes Project 0.03175; 1000 Genomes Project 30x 0.03217.
gnomAD v4.1: 7,485 of 1,527,574 alleles (0.49%); highest among the groups gnomAD compares: African/African-American, 8.3%; 263 homozygotes.

Submissions (4):

Labcorp Genetics (formerly Invitae), Labcorp
Classification: Benign. Last evaluated: 2019-12-31. Review status: criteria provided, single submitter. Criteria: Invitae Variant Classification Sherloc (09022015). Collection method: clinical testing. Allele origin: germline.

Breakthrough Genomics
Classification: Benign. Review status: criteria provided, single submitter. Criteria: ACMG Guidelines, 2015. Collection method: not provided. Allele origin: germline. Inheritance: Unknown mechanism. Affected: yes.

PreventionGenetics, part of Exact Sciences
Classification: Benign for NRXN2-related condition. Last evaluated: 2019-11-12. Review status: no assertion criteria provided. Collection method: clinical testing. Allele origin: germline. Not counted in ClinVar's aggregate classification.
Comment: This variant is classified as benign based on ACMG/AMP sequence variant interpretation guidelines (Richards et al. 2015 PMID: 25741868, with internal and published modifications).

Genetic Services Laboratory, University of Chicago
Classification: Likely benign for AllHighlyPenetrant. Review status: no assertion criteria provided. Collection method: clinical testing. Allele origin: germline. Inheritance: Autosomal dominant inheritance. Not counted in ClinVar's aggregate classification.
Comment: Likely benign based on allele frequency in 1000 Genomes Project or ESP global frequency and its presence in a patient with a rare or unrelated disease phenotype. NOT Sanger confirmed.